The following is an entry in ClinVar:

ClinVar aggregate classification (germline): Uncertain significance. Review status: criteria provided, multiple submitters, no conflicts (2 of 4 stars). 2 submissions from 2 submitters: Uncertain significance (2). Last evaluated 2026-02-17.

Conditions:
Hereditary cancer-predisposing syndrome. Also called: Neoplastic Syndromes, Hereditary; Tumor predisposition; Hereditary neoplastic syndrome; Hereditary Cancer Syndrome. Identifiers: Orphanet 140162, MedGen C0027672, MeSH D009386, MONDO:0015356.
POLD1-related polyposis and colorectal cancer syndrome (CRCS10). Also called: COLORECTAL CANCER, SUSCEPTIBILITY TO, ON CHROMOSOME 19q; Colorectal cancer 10; Colorectal cancer, susceptibility to, 10. Identifiers: Orphanet 220460, MedGen C2675481, MONDO:0012953, OMIM 612591.

Allele frequency attached by ClinVar (database versions not stated): gnomAD exomes below 0.00001; TOPMed below 0.00001; gnomAD 0.00001.
gnomAD v4.1: 3 of 1,588,206 alleles (0.00019%); highest among the groups gnomAD compares: African/African-American, 0.0013%; no homozygotes.

Submissions (2):

Ambry Genetics
Classification: Uncertain significance for Hereditary cancer-predisposing syndrome. Last evaluated: 2026-02-17. Review status: criteria provided, single submitter. Criteria: Ambry Variant Classification Scheme 2023. Collection method: clinical testing. Allele origin: germline.
Comment: The c.1775+5G>A intronic variant results from a G to A substitution 5 nucleotides after coding exon 13 in the POLD1 gene. This nucleotide position is highly conserved in available vertebrate species. In silico splice site analysis predicts that this alteration may result in the creation or strengthening of a novel splice donor site. Based on the available evidence, the clinical significance of this variant remains unclear.

Labcorp Genetics (formerly Invitae), Labcorp
Classification: Uncertain significance for POLD1-related polyposis and colorectal cancer syndrome. Last evaluated: 2025-12-17. Review status: criteria provided, single submitter. Criteria: Invitae Variant Classification Sherloc (09022015). Collection method: clinical testing. Allele origin: germline.
Comment: This sequence change falls in intron 14 of the POLD1 gene. It does not directly change the encoded amino acid sequence of the POLD1 protein. It affects a nucleotide within the consensus splice site. This variant is not present in population databases (gnomAD no frequency). This variant has not been reported in the literature in individuals affected with POLD1-related conditions. ClinVar contains an entry for this variant (Variation ID: 1779854). Variants that disrupt the consensus splice site are a relatively common cause of aberrant splicing (PMID: 17576681, 9536098). Algorithms developed to predict the effect of sequence changes on RNA splicing suggest that this variant may disrupt the consensus splice site. In summary, the available evidence is currently insufficient to determine the role of this variant in disease. Therefore, it has been classified as a Variant of Uncertain Significance.

Literature cited by the submitters: PubMed 17576681 (cited by Labcorp Genetics (formerly Invitae), Labcorp); PubMed 9536098 (cited by Labcorp Genetics (formerly Invitae), Labcorp).

NM_002691.4(POLD1):c.1775+5G>A

Gene: POLD1 (DNA polymerase delta 1, catalytic subunit; plus strand). Cytogenetic location: 19q13.33.
Variant type: single nucleotide variant.
Coding change: c.1775+5G>A on transcript NM_002691.4 (MANE Select); 5 bases into the intron after coding-DNA position 1775, G replaced by A.
Molecular consequence: intron variant.
Genome position (GRCh38, 1-based): chr19:50,407,420, G>A. VCF-style: chr19-50407420-G-A. GRCh37 (hg19) VCF-style: chr19-50910677-G-A.
Other names: c.1775+5G>A (NM_001256849.1, NM_001308632.1).
Identifiers: ClinVar variation 1779854 (VCV001779854.4), dbSNP rs1313378509, ClinGen allele CA883191264.
Genomic context (GRCh38, chr19:50,407,420, plus strand): 5'-AAGTCAGAGGGCGGCGAGGACTACACGGGAGCCACTGTCATCGAGCCCCTCAAAGGGTGA[G>A]GCCCCAGGCTGGGTGCAGTTTTTACCTGTAATCTCTGGGAGGCTGAGGTGGGAGGATCAC-3'